The following is an entry in ClinVar:

NM_002184.4(IL6ST):c.813+3A>G

Gene: IL6ST (interleukin 6 cytokine family signal transducer; minus strand). Cytogenetic location: 5q11.2.
Variant type: single nucleotide variant.
Coding change: c.813+3A>G on transcript NM_002184.4 (MANE Select); 3 bases into the intron after coding-DNA position 813, A replaced by G.
Molecular consequence: intron variant.
Genome position (GRCh38, 1-based): chr5:55,963,349, T>C on the plus strand (A>G on the coding strand, the complement: IL6ST is on the minus strand). VCF-style: chr5-55963349-T-C. GRCh37 (hg19) VCF-style: chr5-55259177-T-C.
Other names: c.603+3A>G (NM_001364276.2); c.-101+3A>G (NM_001364279.2, NM_001364277.2); c.-91+3A>G (NM_001364278.2); c.813+3A>G (NM_175767.3, NM_001190981.2, NM_001364275.2).
Identifiers: ClinVar variation 1062637 (VCV001062637.8), dbSNP rs775027261, ClinGen allele CA3271612.

ClinVar aggregate classification (germline): Uncertain significance (1 of 4 stars; one submission).

Allele frequency attached by ClinVar (database versions not stated): gnomAD 0.00001; gnomAD exomes 0.00001; ExAC 0.00002; TOPMed 0.00002.
gnomAD v4.1: 17 of 1,565,264 alleles (0.0011%); highest among the groups gnomAD compares: Admixed American, 0.002%; no homozygotes.

Submission:

Labcorp Genetics (formerly Invitae), Labcorp
Classification: Uncertain significance. Last evaluated: 2023-11-19. Review status: criteria provided, single submitter. Criteria: Invitae Variant Classification Sherloc (09022015). Collection method: clinical testing. Allele origin: germline.
Comment: This sequence change falls in intron 7 of the IL6ST gene. It does not directly change the encoded amino acid sequence of the IL6ST protein. It affects a nucleotide within the consensus splice site. This variant is present in population databases (rs775027261, gnomAD 0.007%). This variant has not been reported in the literature in individuals affected with IL6ST-related conditions. ClinVar contains an entry for this variant (Variation ID: 1062637). Variants that disrupt the consensus splice site are a relatively common cause of aberrant splicing (PMID: 17576681, 9536098). Algorithms developed to predict the effect of sequence changes on RNA splicing suggest that this variant may disrupt the consensus splice site. In summary, the available evidence is currently insufficient to determine the role of this variant in disease. Therefore, it has been classified as a Variant of Uncertain Significance.

Literature cited by the submitters: PubMed 17576681; PubMed 9536098.